The following is an entry in ClinVar:

ClinVar aggregate classification (germline): Pathogenic. Review status: criteria provided, multiple submitters, no conflicts (2 of 4 stars). 2 submissions from 2 submitters: Pathogenic (2). Last evaluated 2025-11-25.

Conditions:
Congenital myasthenic syndrome (CMS). Also called: Congenital Myasthenic Syndromes. Identifiers: Orphanet 590, MedGen C0751882, MeSH D020294, MONDO:0018940.

Submissions (2):

Natera, Inc.
Classification: Pathogenic for Congenital myasthenic syndrome. Last evaluated: 2025-11-25. Review status: criteria provided, single submitter. Criteria: Natera Variant Classification Schema (03/2026). Collection method: clinical testing. Allele origin: germline.
Comment: The c.197_198del variant in CHRNE is a frameshift variant predicted to shift the reading frame beginning at codon 66 and leads to a stop codon 7 codons downstream. This variant is expected to result in nonsense mediated decay, truncation, or a dysfunctional protein product. This variant is rare in the general population with a frequency below the threshold expected for the associated phenotype(s). This variant has been observed in one or more individuals affected with the associated recessive disease, as either homozygous or compound heterozygous with a second variant (PMID: 33756069). Given the available evidence, this variant is classified as Pathogenic.

Myriad Genetics, Inc.
Classification: Pathogenic for Congenital myasthenic syndrome. Last evaluated: 2025-05-15. Review status: criteria provided, single submitter. Criteria: Myriad Autosomal Dominant, Autosomal Recessive and X-Linked Classification Criteria (2023). Collection method: clinical testing. Allele origin: unknown.
Comment: NM_000080.3(CHRNE):c.197_198delAA(K66Rfs*7) is expected to be pathogenic in the context of congenital myasthenic syndrome, CHRNE-related. This variant is predicted to lead to an abnormal or absent protein product due to the creation of a premature termination codon in CHRNE, a gene where loss-of-function variants are known to be pathogenic. Please note: this variant was assessed in the context of healthy population screening.

Literature cited by the submitters: PubMed 33756069 (cited by Natera, Inc.).

NM_000080.4(CHRNE):c.197_198del (p.Lys66fs)

Genes: C17orf107 (chromosome 17 open reading frame 107; plus strand), CHRNE (cholinergic receptor nicotinic epsilon subunit; minus strand). Cytogenetic location: 17p13.2.
Variant type: Deletion.
Coding change: c.197_198del on transcript NM_000080.4 (MANE Select); coding-DNA positions 197 to 198, 2 bases deleted (AA; older notation c.197_198delAA).
Protein change: p.Lys66fs; shifts the reading frame from lysine 66.
Molecular consequence: frameshift variant. On other transcripts: 3 prime UTR variant (1).
Genome position (GRCh38, 1-based): chr17:4,902,486-4,902,487, TT deleted on the plus strand (AA on the coding strand, the reverse complement: CHRNE is on the minus strand); deleting any 2 consecutive bases within chr17:4,902,486-4,902,490 gives the same sequence; the c. name uses the placement nearest the transcript's 3' end. VCF-style (leftmost placement, unchanged base first): chr17-4902485-CTT-C. GRCh37 (hg19) VCF-style: chr17-4805780-CTT-C.
Other names: c.*1956_*1957del (NM_001145536.2); short protein forms K66fs.
Identifiers: ClinVar variation 4816893 (VCV004816893.2).